The following is an entry in ClinVar:

NM_002350.4(LYN):c.669G>A (p.Glu223=)

Gene: LYN (LYN proto-oncogene, Src family tyrosine kinase; plus strand). Cytogenetic location: 8q12.1.
Variant type: single nucleotide variant.
Coding change: c.669G>A on transcript NM_002350.4 (MANE Select); coding-DNA position 669, G replaced by A.
Protein change: p.Glu223=; no amino-acid change (glutamic acid 223 retained).
Molecular consequence: synonymous variant.
Genome position (GRCh38, 1-based): chr8:55,953,863, G>A. VCF-style: chr8-55953863-G-A. GRCh37 (hg19) VCF-style: chr8-56866422-G-A.
Other names: c.606G>A, p.Glu202= (NM_001111097.3).
Identifiers: ClinVar variation 1587234 (VCV001587234.32), dbSNP rs139057994, ClinGen allele CA4754087.

ClinVar aggregate classification (germline): Likely benign. Review status: criteria provided, multiple submitters, no conflicts (2 of 4 stars). 2 submissions from 2 submitters: Likely benign (2). Last evaluated 2025-10-25.

Allele frequency attached by ClinVar (database versions not stated): gnomAD exomes 0.00003 and 0.00004; ExAC 0.00006; gnomAD 0.00006; TOPMed 0.00012; 1000 Genomes Project 30x 0.00016; 1000 Genomes Project 0.00020; ESP Exome Variant Server 0.00023.
gnomAD v4.1: 50 of 1,614,010 alleles (0.0031%); highest among the groups gnomAD compares: Admixed American, 0.0067%; no homozygotes.

Submissions (2):

Labcorp Genetics (formerly Invitae), Labcorp
Classification: Likely benign. Last evaluated: 2025-10-25. Review status: criteria provided, single submitter. Criteria: Invitae Variant Classification Sherloc (09022015). Collection method: clinical testing. Allele origin: germline.

CeGaT Center for Human Genetics Tuebingen
Classification: Likely benign. Last evaluated: 2022-11-01. Review status: criteria provided, single submitter. Criteria: CeGaT Center For Human Genetics Tuebingen Variant Classification Criteria Version 2. Collection method: clinical testing. Allele origin: germline. Affected: yes. Observed: 1 variant allele.
Comment: LYN: BP4, BP7